The following is an entry in ClinVar:

ClinVar aggregate classification (germline): Uncertain significance. Review status: criteria provided, multiple submitters, no conflicts (2 of 4 stars). 2 submissions from 2 submitters: Uncertain significance (2). Last evaluated 2025-12-02.

Conditions:
Hereditary sensory and autonomic neuropathy type 6. Also called: Neuropathy, hereditary sensory and autonomic, type VI; HSAN VI. Identifiers: Orphanet 314381, MedGen C3539003, MONDO:0013839, OMIM 614653.
Epidermolysis bullosa simplex 3, localized or generalized intermediate, with BP230 deficiency (EBS3). Also called: Epidermolysis bullosa simplex, autosomal recessive 2; Epidermolysis bullosa simplex due to BP230 deficiency. Identifiers: Orphanet 412181, MedGen C3809470, MONDO:0014180, OMIM 615425.

Allele frequency attached by ClinVar (database versions not stated): gnomAD exomes 0.00004 and 0.00010; ExAC 0.00012; gnomAD 0.00034 and 0.00040; TOPMed 0.00043; ESP Exome Variant Server 0.00062.
gnomAD v4.1: 115 of 1,613,900 alleles (0.0071%); highest among the groups gnomAD compares: African/African-American, 0.11%; no homozygotes.

Submissions (2):

GeneDx
Classification: Uncertain significance. Last evaluated: 2025-12-02. Review status: criteria provided, single submitter. Criteria: GeneDx Variant Classification Process June 2021. Collection method: clinical testing. Allele origin: germline.
Comment: In silico analysis suggests that this missense variant does not alter protein structure/function; Has not been previously published as pathogenic or benign to our knowledge; Reported using the transcript encoding the epithelial isoform of the gene.

Labcorp Genetics (formerly Invitae), Labcorp
Classification: Uncertain significance for Epidermolysis bullosa simplex 3, localized or generalized intermediate, with BP230 deficiency; Hereditary sensory and autonomic neuropathy type 6. Last evaluated: 2021-12-22. Review status: criteria provided, single submitter. Criteria: Invitae Variant Classification Sherloc (09022015). Collection method: clinical testing. Allele origin: germline.
Comment: This sequence change replaces arginine, which is basic and polar, with cysteine, which is neutral and slightly polar, at codon 1626 of the DST protein (p.Arg1626Cys). This variant is present in population databases (rs138869481, gnomAD 0.1%). This variant has not been reported in the literature in individuals affected with DST-related conditions. ClinVar contains an entry for this variant (Variation ID: 581868). Algorithms developed to predict the effect of missense changes on protein structure and function (SIFT, PolyPhen-2, Align-GVGD) all suggest that this variant is likely to be disruptive. In summary, the available evidence is currently insufficient to determine the role of this variant in disease. Therefore, it has been classified as a Variant of Uncertain Significance.

NM_001723.7(DST):c.4876C>T (p.Arg1626Cys)

Gene: DST (dystonin; minus strand). Cytogenetic location: 6p12.1.
Variant type: single nucleotide variant.
Coding change: c.4876C>T on transcript NM_001723.7 (MANE Plus Clinical); coding-DNA position 4876, C replaced by T.
Protein change: p.Arg1626Cys; replaces arginine 1626 with cysteine.
Molecular consequence: missense variant. On other transcripts: intron variant (10).
Genome position (GRCh38, 1-based): chr6:56,619,158, G>A on the plus strand (C>T on the coding strand, the complement: DST is on the minus strand). VCF-style: chr6-56619158-G-A. GRCh37 (hg19) VCF-style: chr6-56483956-G-A.
Other names: c.4831-4674C>T (NM_001144769.5); c.4930-4674C>T (NM_001374722.1, NM_001374736.1); c.4957-4674C>T (NM_001374734.1); c.4417-4674C>T (NM_001144770.2); c.4297-4674C>T (NM_001374730.1, NM_001386100.1, NM_183380.4 and 1 more transcripts); c.3319-4674C>T (NM_015548.5); short protein forms R1626C.
Identifiers: ClinVar variation 581868 (VCV000581868.11), dbSNP rs138869481, ClinGen allele CA3870462.